The following is an entry in ClinVar:

ClinVar aggregate classification (germline): Uncertain significance (1 of 4 stars; one submission).

Conditions:
Polymicrogyria, perisylvian, with cerebellar hypoplasia and arthrogryposis (NEDSPLB). Identifiers: MedGen C4225295, MONDO:0014679, OMIM 616531.

Allele frequency attached by ClinVar (database versions not stated): gnomAD exomes 0.00002 and 0.00007; ExAC 0.00008; gnomAD 0.00026; TOPMed 0.00028; 1000 Genomes Project 30x 0.00031; ESP Exome Variant Server 0.00031; 1000 Genomes Project 0.00040.
gnomAD v4.1: 69 of 1,612,724 alleles (0.0043%); highest among the groups gnomAD compares: African/African-American, 0.081%; no homozygotes.

Submission:

Victorian Clinical Genetics Services, Murdoch Childrens Research Institute
Classification: Uncertain significance for Polymicrogyria, perisylvian, with cerebellar hypoplasia and arthrogryposis. Last evaluated: 2022-02-02. Review status: criteria provided, single submitter. Criteria: ACMG Guidelines, 2015. Collection method: clinical testing. Allele origin: germline. Inheritance: Autosomal recessive inheritance.
Comment: Based on the classification scheme VCGS_Germline_v1.3.4, this variant is classified as VUS-3B. Following criteria are met: 0102 - Loss of function is a known mechanism of disease in this gene and is associated with polymicrogyria, perisylvian, with cerebellar hypoplasia and arthrogryposis (MIM#616531; PMID: 25855803). (I) 0106 - This gene is associated with autosomal recessive disease. (I) 0200 - Variant is predicted to result in a missense amino acid change from methionine to valine. (I) 0251 - This variant is heterozygous. (I) 0304 - Variant is present in gnomAD (v3) <0.01 for a recessive condition (40 heterozygotes, 0 homozygotes). (SP) 0503 - Missense variant consistently predicted to be tolerated by multiple in silico tools or not conserved in placental mammals with a minor amino acid change. (SB) 0600 - Variant is located in the annotated PI4-kinase N-terminal region (Pfam). (I) 0705 - No comparable missense variants have previous evidence for pathogenicity. (I) 0807 - This variant has no previous evidence of pathogenicity. (I) 0905 - No published segregation evidence has been identified for this variant. (I) 1007 - No published functional evidence has been identified for this variant. (I) Legend: (SP) - Supporting pathogenic, (I) - Information, (SB) - Supporting benign

Literature cited by the submitters: PubMed 25855803.

NM_058004.4(PI4KA):c.2797A>G (p.Met933Val)

Gene: PI4KA (phosphatidylinositol 4-kinase alpha; minus strand). Cytogenetic location: 22q11.21.
Variant type: single nucleotide variant.
Coding change: c.2797A>G on transcript NM_058004.4 (MANE Select); coding-DNA position 2797, A replaced by G.
Protein change: p.Met933Val; replaces methionine 933 with valine.
Molecular consequence: missense variant.
Genome position (GRCh38, 1-based): chr22:20,753,175, T>C on the plus strand (A>G on the coding strand, the complement: PI4KA is on the minus strand). VCF-style: chr22-20753175-T-C. GRCh37 (hg19) VCF-style: chr22-21107463-T-C.
Other names: c.2797A>G, p.Met933Val (NM_001362862.2); c.2731A>G, p.Met911Val (NM_001362863.2); short protein forms M911V, M933V.
Identifiers: ClinVar variation 1699253 (VCV001699253.3), dbSNP rs142927362, ClinGen allele CA10115594.
Genomic context (GRCh38, chr22:20,753,175, plus strand): 5'-CCGCCATCATGTTCAGGAAGGCATCGAATACTTTGTCCGCGACTGCAATCACACACTGCA[T>C]CATCCCTGAAACGAGAAGGTTTCCATGGATAAGGTGCAGCAACAGAGAGAGAATCCTAGC-3'
Protein context (NP_477352.3, residues 923-943): KAIQKDKSGM[Met933Val]QCVIAVADKV